The following is an entry in ClinVar:

NM_021072.4(HCN1):c.370C>A (p.Gln124Lys)

Gene: HCN1 (hyperpolarization activated cyclic nucleotide gated potassium channel 1; minus strand). Cytogenetic location: 5p12.
Variant type: single nucleotide variant.
Coding change: c.370C>A on transcript NM_021072.4 (MANE Select); coding-DNA position 370, C replaced by A.
Protein change: p.Gln124Lys; replaces glutamine 124 with lysine.
Molecular consequence: missense variant.
Genome position (GRCh38, 1-based): chr5:45,695,724, G>T on the plus strand (C>A on the coding strand, the complement: HCN1 is on the minus strand). VCF-style: chr5-45695724-G-T. GRCh37 (hg19) VCF-style: chr5-45695826-G-T.
Other names: short protein forms Q124K.
Identifiers: ClinVar variation 2832909 (VCV002832909.3), dbSNP rs2478643598, ClinGen allele CA359706162.

ClinVar aggregate classification (germline): Uncertain significance (1 of 4 stars; one submission).

Conditions:
Early-infantile DEE. Also called: Early infantile epileptic encephalopathy; Early infantile epileptic encephalopathy with suppression bursts; Ohtahara syndrome. Identifiers: Orphanet 1934, MedGen C0393706, MONDO:0800491.

Submission:

Labcorp Genetics (formerly Invitae), Labcorp
Classification: Uncertain significance for Early-infantile DEE. Last evaluated: 2023-02-26. Review status: criteria provided, single submitter. Criteria: Invitae Variant Classification Sherloc (09022015). Collection method: clinical testing. Allele origin: germline.
Comment: This sequence change replaces glutamine, which is neutral and polar, with lysine, which is basic and polar, at codon 124 of the HCN1 protein (p.Gln124Lys). In summary, the available evidence is currently insufficient to determine the role of this variant in disease. Therefore, it has been classified as a Variant of Uncertain Significance. Advanced modeling of protein sequence and biophysical properties (such as structural, functional, and spatial information, amino acid conservation, physicochemical variation, residue mobility, and thermodynamic stability) performed at Invitae indicates that this missense variant is not expected to disrupt HCN1 protein function. This variant has not been reported in the literature in individuals affected with HCN1-related conditions. This variant is not present in population databases (gnomAD no frequency).